The following is an entry in ClinVar:

NM_025144.4(ALPK1):c.1636C>T (p.Arg546Ter)

Gene: ALPK1 (alpha kinase 1; plus strand). Cytogenetic location: 4q25.
Variant type: single nucleotide variant.
Coding change: c.1636C>T on transcript NM_025144.4 (MANE Select); coding-DNA position 1636, C replaced by T.
Protein change: p.Arg546Ter; replaces arginine 546 with a stop codon.
Molecular consequence: nonsense.
Genome position (GRCh38, 1-based): chr4:112,431,183, C>T. VCF-style: chr4-112431183-C-T. GRCh37 (hg19) VCF-style: chr4-113352339-C-T.
Other names: c.1636C>T, p.Arg546Ter (NM_001102406.2); c.1402C>T, p.Arg468Ter (NM_001253884.2); short protein forms R468*, R546*.
Identifiers: ClinVar variation 3621329 (VCV003621329.2).

ClinVar aggregate classification (germline): Uncertain significance (1 of 4 stars; one submission).

gnomAD v4.1: 27 of 1,614,052 alleles (0.0017%); highest among the groups gnomAD compares: Non-Finnish European, 0.0022%; no homozygotes.

Submission:

Labcorp Genetics (formerly Invitae), Labcorp
Classification: Uncertain significance. Last evaluated: 2024-06-03. Review status: criteria provided, single submitter. Criteria: Invitae Variant Classification Sherloc (09022015). Collection method: clinical testing. Allele origin: germline.
Comment: This sequence change creates a premature translational stop signal (p.Arg546*) in the ALPK1 gene. It is expected to result in an absent or disrupted protein product. However, the current clinical and genetic evidence is not sufficient to establish whether loss-of-function variants in ALPK1 cause disease. This variant is present in population databases (no rsID available, gnomAD 0.003%). This variant has not been reported in the literature in individuals affected with ALPK1-related conditions. In summary, the available evidence is currently insufficient to determine the role of this variant in disease. Therefore, it has been classified as a Variant of Uncertain Significance.